The following is an entry in ClinVar:

NM_025265.4(TSEN2):c.57C>A (p.Tyr19Ter)

Gene: TSEN2 (tRNA splicing endonuclease subunit 2; plus strand). Cytogenetic location: 3p25.2.
Variant type: single nucleotide variant.
Coding change: c.57C>A on transcript NM_025265.4 (MANE Select); coding-DNA position 57, C replaced by A.
Protein change: p.Tyr19Ter; replaces tyrosine 19 with a stop codon.
Molecular consequence: nonsense. On other transcripts: non-coding transcript variant (1).
Genome position (GRCh38, 1-based): chr3:12,489,857, C>A. VCF-style: chr3-12489857-C-A. GRCh37 (hg19) VCF-style: chr3-12531356-C-A.
Other names: c.57C>A, p.Tyr19Ter (NM_001145392.2, NM_001145393.3, NM_001145394.2 and 3 more transcripts); short protein forms Y19*.
Identifiers: ClinVar variation 3251458 (VCV003251458.3), dbSNP rs760722955.
Genomic context (GRCh38, chr3:12,489,857, plus strand): 5'-AAAAATGGCAGAAGCAGTTTTCCATGCCCCAAAGAGGAAAAGAAGAGTGTATGAGACTTA[C>A]GAGTCTCCATTGCCAATCCCTTTTGGTCAGGACCATGGTCCTCTGAAAGAATTCAAGATA-3'

ClinVar aggregate classification (germline): Pathogenic/Likely pathogenic. Review status: criteria provided, multiple submitters, no conflicts (2 of 4 stars). 2 submissions from 2 submitters: Pathogenic (1); Likely pathogenic (1). Last evaluated 2024-04-11.

Conditions:
Pontocerebellar hypoplasia type 2B (PCH2B). Identifiers: Orphanet 2524, MedGen C2676466, MONDO:0012890, OMIM 612389.
Pontoneocerebellar hypoplasia. Also called: Non-syndromic pontocerebellar hypoplasia; Pontocerebellar hypoplasia. Identifiers: Orphanet 98523, MedGen C1261175, MONDO:0020135.

Submissions (2):

Fulgent Genetics
Classification: Likely pathogenic for Pontocerebellar hypoplasia type 2B. Last evaluated: 2024-04-11. Review status: criteria provided, single submitter. Criteria: ACMG Guidelines, 2015. Collection method: clinical testing. Allele origin: germline.

Women's Health and Genetics/Laboratory Corporation of America, LabCorp
Classification: Pathogenic for Pontoneocerebellar hypoplasia. Last evaluated: 2024-04-08. Review status: criteria provided, single submitter. Criteria: LabCorp Variant Classification Summary - May 2015. Collection method: clinical testing. Allele origin: germline.
Comment: Variant summary: TSEN2 c.57C>A (p.Tyr19X) results in a premature termination codon, predicted to cause a truncation of the encoded protein or absence of the protein due to nonsense mediated decay, which are commonly known mechanisms for disease. The variant was absent in 251272 control chromosomes (gnomAD). To our knowledge, no occurrence of c.57C>A in individuals affected with Pontocerebellar Hypoplasia, Type 2B and no experimental evidence demonstrating its impact on protein function have been reported. No submitters have cited clinical-significance assessments for this variant to ClinVar. Based on the evidence outlined above, the variant was classified as pathogenic.